The following is an entry in ClinVar:

ClinVar aggregate classification (germline): Uncertain significance (1 of 4 stars; one submission).

Conditions:
Ulnar-mammary syndrome (UMS). Also called: SCHINZEL SYNDROME; Ulnar-mammary syndrome of Pallister; PALLISTER ULNAR-MAMMARY SYNDROME. Identifiers: Orphanet 3138, MedGen C1866994, MONDO:0008411, OMIM 181450.

gnomAD v4.1: 2 of 1,600,318 alleles (0.00012%); highest among the groups gnomAD compares: East Asian, 0.0045%; no homozygotes.

Submission:

Labcorp Genetics (formerly Invitae), Labcorp
Classification: Uncertain significance for Ulnar-mammary syndrome. Last evaluated: 2024-03-21. Review status: criteria provided, single submitter. Criteria: Invitae Variant Classification Sherloc (09022015). Collection method: clinical testing. Allele origin: germline.
Comment: This sequence change replaces cysteine, which is neutral and slightly polar, with serine, which is neutral and polar, at codon 384 of the TBX3 protein (p.Cys384Ser). This variant is present in population databases (no rsID available, gnomAD 0.006%). This variant has not been reported in the literature in individuals affected with TBX3-related conditions. Algorithms developed to predict the effect of missense changes on protein structure and function output the following: SIFT: "Not Available"; PolyPhen-2: "Benign"; Align-GVGD: "Not Available". The serine amino acid residue is found in multiple mammalian species, which suggests that this missense change does not adversely affect protein function. In summary, the available evidence is currently insufficient to determine the role of this variant in disease. Therefore, it has been classified as a Variant of Uncertain Significance.

NM_005996.4(TBX3):c.1151G>C (p.Cys384Ser)

Gene: TBX3 (T-box transcription factor 3; minus strand). Cytogenetic location: 12q24.21.
Variant type: single nucleotide variant.
Coding change: c.1151G>C on transcript NM_005996.4 (MANE Select); coding-DNA position 1151, G replaced by C.
Protein change: p.Cys384Ser; replaces cysteine 384 with serine.
Molecular consequence: missense variant.
Genome position (GRCh38, 1-based): chr12:114,674,724, C>G on the plus strand (G>C on the coding strand, the complement: TBX3 is on the minus strand). VCF-style: chr12-114674724-C-G. GRCh37 (hg19) VCF-style: chr12-115112529-C-G.
Other names: c.1211G>C, p.Cys404Ser (NM_016569.4); short protein forms C384S, C404S.
Identifiers: ClinVar variation 3682394 (VCV003682394.2).